The following is an entry in ClinVar:

NM_000059.4(BRCA2):c.1145A>G (p.Lys382Arg)

Gene: BRCA2 (BRCA2 DNA repair associated; plus strand). Cytogenetic location: 13q13.1.
Variant type: single nucleotide variant.
Coding change: c.1145A>G on transcript NM_000059.4 (MANE Select); coding-DNA position 1145, A replaced by G.
Protein change: p.Lys382Arg; replaces lysine 382 with arginine.
Molecular consequence: missense variant.
Genome position (GRCh38, 1-based): chr13:32,332,623, A>G. VCF-style: chr13-32332623-A-G. GRCh37 (hg19) VCF-style: chr13-32906760-A-G.
Other names: c.1145A>G (NM_000059.3); short protein forms K382R.
Identifiers: ClinVar variation 1009220 (VCV001009220.11), dbSNP rs1396595519, ClinGen allele CA387761828.
Genomic context (GRCh38, chr13:32,332,623, plus strand): 5'-ATACTGATCCATTAGATTCAAATGTAGCAAATCAGAAGCCCTTTGAGAGTGGAAGTGACA[A>G]AATCTCCAAGGAAGTTGTACCGTCTTTGGCCTGTGAATGGTCTCAACTAACCCTTTCAGG-3'
Protein context (NP_000050.3, residues 372-392): NQKPFESGSD[Lys382Arg]ISKEVVPSLA

ClinVar aggregate classification (germline): Conflicting classifications of pathogenicity. Review status: criteria provided, conflicting classifications (1 of 4 stars). 3 submissions from 3 submitters: Uncertain significance (1); Likely benign (2). Last evaluated 2026-05-19.

Conditions:
Hereditary breast ovarian cancer syndrome. Also called: Hereditary breast and ovarian cancer syndrome; Hereditary breast and/or ovarian cancer syndrome; Hereditary breast and ovarian cancer; Hereditary breast and ovarian cancer syndrome (HBOC); BRCA1- and BRCA2-Associated Hereditary Breast and Ovarian Cancer; Breast and ovarian cancer. Identifiers: Orphanet 145, MedGen C0677776, MeSH D061325, MONDO:0003582. Disease mechanism: loss of function.
Hereditary cancer-predisposing syndrome. Also called: Hereditary neoplastic syndrome; Neoplastic Syndromes, Hereditary; Tumor predisposition; Hereditary Cancer Syndrome. Identifiers: Orphanet 140162, MedGen C0027672, MeSH D009386, MONDO:0015356.

Allele frequency attached by ClinVar (database versions not stated): gnomAD exomes below 0.00001; TOPMed below 0.00001.
gnomAD v4.1: 2 of 1,614,116 alleles (0.00012%); highest among the groups gnomAD compares: Non-Finnish European, 0.00017%; no homozygotes.

Submissions (3):

Ambry Genetics
Classification: Likely benign for Hereditary cancer-predisposing syndrome. Last evaluated: 2026-05-19. Review status: criteria provided, single submitter. Criteria: Ambry Variant Classification Scheme 2023. Collection method: clinical testing. Allele origin: germline.

Labcorp Genetics (formerly Invitae), Labcorp
Classification: Uncertain significance for Hereditary breast ovarian cancer syndrome. Last evaluated: 2024-08-24. Review status: criteria provided, single submitter. Criteria: Invitae Variant Classification Sherloc (09022015). Collection method: clinical testing. Allele origin: germline.
Comment: This sequence change replaces lysine, which is basic and polar, with arginine, which is basic and polar, at codon 382 of the BRCA2 protein (p.Lys382Arg). This variant is not present in population databases (gnomAD no frequency). This variant has not been reported in the literature in individuals affected with BRCA2-related conditions. ClinVar contains an entry for this variant (Variation ID: 1009220). Invitae Evidence Modeling of protein sequence and biophysical properties (such as structural, functional, and spatial information, amino acid conservation, physicochemical variation, residue mobility, and thermodynamic stability) indicates that this missense variant is not expected to disrupt BRCA2 protein function with a negative predictive value of 95%. In summary, the available evidence is currently insufficient to determine the role of this variant in disease. Therefore, it has been classified as a Variant of Uncertain Significance.

University of Washington Department of Laboratory Medicine, University of Washington
Classification: Likely benign for Hereditary cancer-predisposing syndrome. Last evaluated: 2023-03-23. Review status: criteria provided, single submitter. Criteria: Dines et al. (Genet Med. 2020). Collection method: curation. Allele origin: germline.
Comment: Missense variant in a coldspot region where missense variants are very unlikely to be pathogenic (PMID:31911673).

BRCA2 exon 10 coldspot. Reclassification based on statistical prior probability.